The following is an entry in ClinVar:

ClinVar aggregate classification (germline): Uncertain significance (1 of 4 stars; one submission).

gnomAD v4.1: 6 of 1,613,746 alleles (0.00037%); highest among the groups gnomAD compares: African/African-American, 0.0013%; no homozygotes.

Submission:

Labcorp Genetics (formerly Invitae), Labcorp
Classification: Uncertain significance. Last evaluated: 2025-06-11. Review status: criteria provided, single submitter. Criteria: Invitae Variant Classification Sherloc (09022015). Collection method: clinical testing. Allele origin: germline.
Comment: This sequence change replaces leucine, which is neutral and non-polar, with histidine, which is basic and polar, at codon 508 of the KIDINS220 protein (p.Leu508His). This variant is present in population databases (no rsID available, gnomAD 0.004%). This variant has not been reported in the literature in individuals affected with KIDINS220-related conditions. An algorithm developed to predict the effect of missense changes on protein structure and function (PolyPhen-2) suggests that this variant is likely to be disruptive. In summary, the available evidence is currently insufficient to determine the role of this variant in disease. Therefore, it has been classified as a Variant of Uncertain Significance.

NM_020738.4(KIDINS220):c.1523T>A (p.Leu508His)

Gene: KIDINS220 (kinase D interacting substrate 220; minus strand). Cytogenetic location: 2p25.1.
Variant type: single nucleotide variant.
Coding change: c.1523T>A on transcript NM_020738.4 (MANE Select); coding-DNA position 1523, T replaced by A.
Protein change: p.Leu508His; replaces leucine 508 with histidine.
Molecular consequence: missense variant. On other transcripts: non-coding transcript variant (2).
Genome position (GRCh38, 1-based): chr2:8,789,978, A>T on the plus strand (T>A on the coding strand, the complement: KIDINS220 is on the minus strand). VCF-style: chr2-8789978-A-T. GRCh37 (hg19) VCF-style: chr2-8930108-A-T.
Other names: c.1526T>A, p.Leu509His (NM_001348729.2, NM_001348731.2, NM_001348734.2 and 3 more transcripts); c.1523T>A, p.Leu508His (NM_001348732.2, NM_001348735.2, NM_001348738.2 and 3 more transcripts); c.1397T>A, p.Leu466His (NM_001348736.2); short protein forms L509H, L508H, L466H.
Identifiers: ClinVar variation 4696933 (VCV004696933.1).